The following is an entry in ClinVar:

ClinVar aggregate classification (germline): Likely benign. Review status: criteria provided, single submitter (1 of 4 stars). 2 submissions from 2 submitters: Likely benign (1). 1 of the submissions does not count toward it. Last evaluated 2025-01-01.

Conditions:
PCNT-related disorder. Also called: PCNT-related condition.

Allele frequency attached by ClinVar (database versions not stated): gnomAD 0.00001; TOPMed 0.00002; gnomAD exomes 0.00003.
gnomAD v4.1: 41 of 1,610,434 alleles (0.0025%); highest among the groups gnomAD compares: South Asian, 0.0077%; no homozygotes.

Submissions (2):

Labcorp Genetics (formerly Invitae), Labcorp
Classification: Likely benign. Last evaluated: 2025-01-01. Review status: criteria provided, single submitter. Criteria: Invitae Variant Classification Sherloc (09022015). Collection method: clinical testing. Allele origin: germline.

PreventionGenetics, part of Exact Sciences
Classification: Likely benign for PCNT-related condition. Last evaluated: 2023-02-21. Review status: no assertion criteria provided. Collection method: clinical testing. Allele origin: germline. Not counted in ClinVar's aggregate classification.
Comment: This variant is classified as likely benign based on ACMG/AMP sequence variant interpretation guidelines (Richards et al. 2015 PMID: 25741868, with internal and published modifications).

NM_006031.6(PCNT):c.8958C>T (p.Ala2986=)

Gene: PCNT (pericentrin; plus strand). Cytogenetic location: 21q22.3.
Variant type: single nucleotide variant.
Coding change: c.8958C>T on transcript NM_006031.6 (MANE Select); coding-DNA position 8958, C replaced by T.
Protein change: p.Ala2986=; no amino-acid change (alanine 2986 retained).
Molecular consequence: synonymous variant.
Genome position (GRCh38, 1-based): chr21:46,436,110, C>T. VCF-style: chr21-46436110-C-T. GRCh37 (hg19) VCF-style: chr21-47856023-C-T.
Other names: c.8958C>T (NM_006031.5); c.8367C>T, p.Ala2789= (NM_001315529.2).
Identifiers: ClinVar variation 3007118 (VCV003007118.5), dbSNP rs1251107166, ClinGen allele CA513175839.
Genomic context (GRCh38, chr21:46,436,110, plus strand): 5'-CCACCTCCGGGAACAGCAGCGAGAGCTGGAGGCGATGAGGCAGCGGCTGCTCTCTGCCGC[C>T]CGGCTTCTCACCAGCTTCACCAGCCAGGCCGTGGACAGGTGTGCACCCACGCCACCTGGC-3'
Protein context (NP_006022.3, residues 2976-2996): EAMRQRLLSA[Ala2986=]RLLTSFTSQA